The following is an entry in ClinVar:

NM_052947.4(ALPK2):c.2155C>T (p.His719Tyr)

Gene: ALPK2 (alpha kinase 2; minus strand). Cytogenetic location: 18q21.31.
Variant type: single nucleotide variant.
Coding change: c.2155C>T on transcript NM_052947.4 (MANE Select); coding-DNA position 2155, C replaced by T.
Protein change: p.His719Tyr; replaces histidine 719 with tyrosine.
Molecular consequence: missense variant.
Genome position (GRCh38, 1-based): chr18:58,538,032, G>A on the plus strand (C>T on the coding strand, the complement: ALPK2 is on the minus strand). VCF-style: chr18-58538032-G-A. GRCh37 (hg19) VCF-style: chr18-56205264-G-A.
Other names: short protein forms H719Y.
Identifiers: ClinVar variation 1786806 (VCV001786806.2), dbSNP rs2051664679, ClinGen allele CA402571406.

ClinVar aggregate classification (germline): Uncertain significance (1 of 4 stars; one submission).

Submission:

Ambry Genetics
Classification: Uncertain significance. Last evaluated: 2021-12-02. Review status: criteria provided, single submitter. Criteria: Ambry Variant Classification Scheme 2023. Collection method: clinical testing. Allele origin: germline.
Comment: The p.H719Y variant (also known as c.2155C>T), located in coding exon 4 of the ALPK2 gene, results from a C to T substitution at nucleotide position 2155. The histidine at codon 719 is replaced by tyrosine, an amino acid with similar properties. This amino acid position is conserved. In addition, this alteration is predicted to be tolerated by in silico analysis. Since supporting evidence is limited at this time, the clinical significance of this alteration remains unclear.